The following is an entry in ClinVar:

ClinVar aggregate classification (germline): Uncertain significance (1 of 4 stars; one submission).

Conditions:
Ataxia-telangiectasia syndrome (AT). Also called: ATAXIA-TELANGIECTASIA, COMPLEMENTATION GROUP A; ATAXIA-TELANGIECTASIA, FRESNO VARIANT; Ataxia-telangiectasia, complementation group E; Ataxia telangiectasia (A-T); LOUIS-BAR SYNDROME; Cerebello-oculocutaneous telangiectasia. Identifiers: Orphanet 100, MedGen C0004135, MONDO:0008840, OMIM 208900.

Submission:

Labcorp Genetics (formerly Invitae), Labcorp
Classification: Uncertain significance for Ataxia-telangiectasia syndrome. Last evaluated: 2021-11-03. Review status: criteria provided, single submitter. Criteria: Invitae Variant Classification Sherloc (09022015). Collection method: clinical testing. Allele origin: germline.
Comment: In summary, the available evidence is currently insufficient to determine the role of this variant in disease. Therefore, it has been classified as a Variant of Uncertain Significance. Experimental studies and prediction algorithms are not available or were not evaluated, and the functional significance of this variant is currently unknown. This variant has not been reported in the literature in individuals affected with ATM-related conditions. This variant results in a copy number gain of the genomic region encompassing exon(s) 53-61 of the ATM gene. While the exact position of this variant cannot be determined from the data, sub-genic copy number gains are generally in tandem (PMID: 25640679). This variant is predicted to be in-frame, and likely preserves the integrity of the reading frame.

Literature cited by the submitters: PubMed 25640679.

NC_000011.10:g.(?_108332752)_(108354884_?)dup

Gene: ATM (ATM serine/threonine kinase; plus strand). Cytogenetic location: 11q22.3.
Variant type: Duplication.
Identifiers: ClinVar variation 830736 (VCV000830736.6).